The following is an entry in ClinVar:

ClinVar aggregate classification (germline): Conflicting classifications of pathogenicity. Review status: criteria provided, conflicting classifications (1 of 4 stars). 2 submissions from 2 submitters: Uncertain significance (1); Likely benign (1). Last evaluated 2022-08-23.

Allele frequency attached by ClinVar (database versions not stated): gnomAD exomes below 0.00001; gnomAD 0.00001; TOPMed 0.00002; ExAC 0.00003.
gnomAD v4.1: 8 of 1,291,006 alleles (0.00062%); highest among the groups gnomAD compares: Admixed American, 0.011%; no homozygotes.

Submissions (2):

Labcorp Genetics (formerly Invitae), Labcorp
Classification: Uncertain significance. Last evaluated: 2022-08-23. Review status: criteria provided, single submitter. Criteria: Invitae Variant Classification Sherloc (09022015). Collection method: clinical testing. Allele origin: germline.
Comment: This variant has not been reported in the literature in individuals affected with CEP78-related conditions. The frequency data for this variant in the population databases is considered unreliable, as metrics indicate poor data quality at this position in the gnomAD database. This sequence change falls in intron 10 of the CEP78 gene. It does not directly change the encoded amino acid sequence of the CEP78 protein. It affects a nucleotide within the consensus splice site. In summary, the available evidence is currently insufficient to determine the role of this variant in disease. Therefore, it has been classified as a Variant of Uncertain Significance. Variants that disrupt the consensus splice site are a relatively common cause of aberrant splicing (PMID: 17576681, 9536098). Algorithms developed to predict the effect of sequence changes on RNA splicing suggest that this variant is not likely to affect RNA splicing. ClinVar contains an entry for this variant (Variation ID: 1491527).

Blueprint Genetics
Classification: Likely benign. Last evaluated: 2022-07-20. Review status: criteria provided, single submitter. Criteria: ACMG Guidelines, 2015. Collection method: clinical testing. Allele origin: germline.

Literature cited by the submitters: PubMed 17576681 (cited by Labcorp Genetics (formerly Invitae), Labcorp); PubMed 9536098 (cited by Labcorp Genetics (formerly Invitae), Labcorp).

NM_001330691.3(CEP78):c.1251+4C>T

Gene: CEP78 (centrosomal protein 78; plus strand). Cytogenetic location: 9q21.2.
Variant type: single nucleotide variant.
Coding change: c.1251+4C>T on transcript NM_001330691.3 (MANE Select); 4 bases into the intron after coding-DNA position 1251, C replaced by T.
Molecular consequence: intron variant.
Genome position (GRCh38, 1-based): chr9:78,253,281, C>T. VCF-style: chr9-78253281-C-T. GRCh37 (hg19) VCF-style: chr9-80868197-C-T.
Other names: c.1254+4C>T (NM_001349839.2, NM_001349840.2, NM_001098802.3 and 1 more transcripts); c.1251+4C>T (NM_001330693.3, NM_001349838.2, NM_001330694.2).
Identifiers: ClinVar variation 1491527 (VCV001491527.7), dbSNP rs778885053, ClinGen allele CA5095190.